The following is an entry in ClinVar:

NM_005996.4(TBX3):c.1412C>A (p.Ala471Glu)

Gene: TBX3 (T-box transcription factor 3; minus strand). Cytogenetic location: 12q24.21.
Variant type: single nucleotide variant.
Coding change: c.1412C>A on transcript NM_005996.4 (MANE Select); coding-DNA position 1412, C replaced by A.
Protein change: p.Ala471Glu; replaces alanine 471 with glutamic acid.
Molecular consequence: missense variant.
Genome position (GRCh38, 1-based): chr12:114,674,463, G>T on the plus strand (C>A on the coding strand, the complement: TBX3 is on the minus strand). VCF-style: chr12-114674463-G-T. GRCh37 (hg19) VCF-style: chr12-115112268-G-T.
Other names: c.1472C>A, p.Ala491Glu (NM_016569.4); short protein forms A471E, A491E.
Identifiers: ClinVar variation 3350362 (VCV003350362.3).

ClinVar aggregate classification (germline): Uncertain significance. Review status: criteria provided, multiple submitters, no conflicts (2 of 4 stars). 2 submissions from 2 submitters: Uncertain significance (2). Last evaluated 2025-11-01.

Conditions:
TBX3-related disorder. Also called: TBX3-related condition.
Ulnar-mammary syndrome (UMS). Also called: SCHINZEL SYNDROME; PALLISTER ULNAR-MAMMARY SYNDROME; Ulnar-mammary syndrome of Pallister. Identifiers: Orphanet 3138, MedGen C1866994, MONDO:0008411, OMIM 181450.

gnomAD v4.1: 35 of 1,542,130 alleles (0.0023%); highest among the groups gnomAD compares: East Asian, 0.084%; 1 homozygote.

Submissions (2):

Labcorp Genetics (formerly Invitae), Labcorp
Classification: Uncertain significance for Ulnar-mammary syndrome. Last evaluated: 2025-11-01. Review status: criteria provided, single submitter. Criteria: Invitae Variant Classification Sherloc (09022015). Collection method: clinical testing. Allele origin: germline.
Comment: This sequence change replaces alanine, which is neutral and non-polar, with glutamic acid, which is acidic and polar, at codon 471 of the TBX3 protein (p.Ala471Glu). This variant is present in population databases (rs575298892, gnomAD 0.02%). This variant has not been reported in the literature in individuals affected with TBX3-related conditions. ClinVar contains an entry for this variant (Variation ID: 3350362). An algorithm developed to predict the effect of missense changes on protein structure and function (PolyPhen-2) suggests that this variant is likely to be tolerated. In summary, the available evidence is currently insufficient to determine the role of this variant in disease. Therefore, it has been classified as a Variant of Uncertain Significance.

PreventionGenetics, part of Exact Sciences
Classification: Uncertain significance for TBX3-related condition. Last evaluated: 2025-03-03. Review status: criteria provided, single submitter. Criteria: ACMG Guidelines, 2015. Collection method: clinical testing. Allele origin: germline.
Comment: The TBX3 c.1472C>A variant is predicted to result in the amino acid substitution p.Ala491Glu. To our knowledge, this variant has not been reported in the literature. This variant is reported in 0.029% of alleles in individuals of East Asian descent in gnomAD, which may be too common to be an undocumented primary cause of disease. Although we suspect that this variant may be benign, at this time, the clinical significance is uncertain due to the absence of conclusive functional and genetic evidence.